The following is an entry in ClinVar:

NM_000283.4(PDE6B):c.238C>A (p.Leu80Met)

Gene: PDE6B (phosphodiesterase 6B; plus strand). Cytogenetic location: 4p16.3.
Variant type: single nucleotide variant.
Coding change: c.238C>A on transcript NM_000283.4 (MANE Select); coding-DNA position 238, C replaced by A.
Protein change: p.Leu80Met; replaces leucine 80 with methionine.
Molecular consequence: missense variant.
Genome position (GRCh38, 1-based): chr4:625,864, C>A. VCF-style: chr4-625864-C-A. GRCh37 (hg19) VCF-style: chr4-619653-C-A.
Other names: c.238C>A, p.Leu80Met (NM_001145291.2); short protein forms L80M.
Identifiers: ClinVar variation 3655906 (VCV003655906.2).
Genomic context (GRCh38, chr4:625,864, plus strand): 5'-CTGGAGCTGGTGCAGGATATGCAGGAGAGCATCAACATGGAGCGCGTGGTCTTCAAGGTC[C>A]TGCGGCGCCTCTGCACCCTCCTGCAGGCCGACCGCTGCAGCCTCTTCATGTACCGCCAGC-3'
Protein context (NP_000274.3, residues 70-90): INMERVVFKV[Leu80Met]RRLCTLLQAD

ClinVar aggregate classification (germline): Uncertain significance (1 of 4 stars; one submission).

Submission:

Labcorp Genetics (formerly Invitae), Labcorp
Classification: Uncertain significance. Last evaluated: 2024-06-08. Review status: criteria provided, single submitter. Criteria: Invitae Variant Classification Sherloc (09022015). Collection method: clinical testing. Allele origin: germline.
Comment: This sequence change replaces leucine, which is neutral and non-polar, with methionine, which is neutral and non-polar, at codon 80 of the PDE6B protein (p.Leu80Met). This variant is not present in population databases (gnomAD no frequency). This variant has not been reported in the literature in individuals affected with PDE6B-related conditions. Advanced modeling of protein sequence and biophysical properties (such as structural, functional, and spatial information, amino acid conservation, physicochemical variation, residue mobility, and thermodynamic stability) performed at Invitae indicates that this missense variant is not expected to disrupt PDE6B protein function with a negative predictive value of 95%. In summary, the available evidence is currently insufficient to determine the role of this variant in disease. Therefore, it has been classified as a Variant of Uncertain Significance.